The following is an entry in ClinVar:

NM_000540.3(RYR1):c.1077T>C (p.Ala359=)

Gene: RYR1 (ryanodine receptor 1; plus strand). Cytogenetic location: 19q13.2.
Variant type: single nucleotide variant.
Coding change: c.1077T>C on transcript NM_000540.3 (MANE Select); coding-DNA position 1077, T replaced by C.
Protein change: p.Ala359=; no amino-acid change (alanine 359 retained).
Molecular consequence: synonymous variant.
Genome position (GRCh38, 1-based): chr19:38,448,768, T>C. VCF-style: chr19-38448768-T-C. GRCh37 (hg19) VCF-style: chr19-38939408-T-C.
Other names: NM_000540.3(RYR1):c.1077T>C; p.Ala359=; c.1077T>C, p.Ala359= (NM_001042723.2).
Identifiers: ClinVar variation 93243 (VCV000093243.40), dbSNP rs10406027, ClinGen allele CA023860.

ClinVar aggregate classification (germline): Benign. Review status: reviewed by expert panel (3 of 4 stars). 21 submissions from 18 submitters: Benign (1). 20 of the submissions do not count toward it. Last evaluated 2024-08-07.

Conditions:
Congenital multicore myopathy with external ophthalmoplegia (CMYO1B). Also called: MULTIMINICORE DISEASE WITH EXTERNAL OPHTHALMOPLEGIA; MULTICORE MYOPATHY; Minicore myopathy with external ophthalmoplegia; Congenital myopathy 1B, autosomal recessive; Minicore myopathy. Identifiers: Orphanet 598, Orphanet 98905, MedGen C1850674, MONDO:0009712, OMIM 255320, HP:0003789.
Central core myopathy (CMYO1A). Also called: CONGENITAL MYOPATHY 1A, AUTOSOMAL DOMINANT, WITH SUSCEPTIBILITY TO MALIGNANT HYPERTHERMIA; Central core disease; Myopathy, central fibrillar. Identifiers: Orphanet 597, MedGen C5830701, MONDO:0007294, OMIM 117000.
Malignant hyperthermia, susceptibility to, 1 (MHS1). Also called: Malignant hyperthermia suceptibility 1; Anesthesia related hyperthermia; Malignant hyperpyrexia; Fulminating hyperpyrexia; Pharmacogenic myopathy; RYR1-Related Malignant Hyperthermia Susceptibility. Identifiers: Orphanet 423, MedGen C2930980, MONDO:0007783, OMIM 145600.
King Denborough syndrome (KDS). Identifiers: MedGen C1840365, MONDO:0020485, OMIM 619542.
Congenital myopathy with fiber type disproportion. Also called: Congenital fiber-type disproportion myopathy; Congenital fiber-type disproportion. Identifiers: Orphanet 2020, MedGen C0546264, MONDO:0009711. Inheritance: all.
RYR1-related myopathy. Identifiers: Orphanet 98742, MedGen CN305348, MONDO:0100150.
RYR1-related disorder. Also called: RYR1-related condition; RYR1-related disorders. Identifiers: MedGen CN239331.

Allele frequency attached by ClinVar (database versions not stated): ESP Exome Variant Server 0.89520; 1000 Genomes Project 0.90395; 1000 Genomes Project 30x 0.90475; gnomAD 0.90489; TOPMed 0.90611.
gnomAD v4.1: 1,420,673 of 1,614,104 alleles (88%); highest among the groups gnomAD compares: East Asian, 99%; 626,758 homozygotes.

Submissions (21):

ClinGen Congenital Myopathies Variant Curation Expert Panel, ClinGen
Classification: Benign for RYR1-related myopathy. Last evaluated: 2024-08-07. Review status: reviewed by expert panel. Criteria: ClinGen CongenMyopathy ACMG Specifications RYR1 AR V1.0.0. Collection method: curation. Allele origin: germline. Inheritance: Autosomal unknown.
Comment: The variant NM_000540.3:c.1077T>C in RYR1 is a synonymous (silent) variant (p.Ala359=). The filtering allele frequency (the lower threshold of the 95% CI of 19809/19952, 9835 homozygotes) of the c.1077T>C variant in RYR1 is 0.9807 for East Asian chromosomes by gnomAD v4.1, which is higher than the ClinGen Congenital Myopathies VCEP threshold (≥0.00697) for BA1, and therefore meets this criterion (BA1). The c.1077T>C (p.Ala359=) variant is a synonymous (silent) variant that is not predicted by SpliceAI to impact splicing. In addition, it occurs at a nucleotide that is not conserved as shown by UCSC Genome Browser (BP4, BP7). In summary, the variant meets criteria to be classified as benign. ACMG/AMP criteria met, as specified by the congenital myopathies VCEP: BA1, BP4, BP7 (ClinGen Congenital Myopathies VCEP specifications version 1; 8/7/2024).

Labcorp Genetics (formerly Invitae), Labcorp
Classification: Benign for RYR1-related disorder. Last evaluated: 2026-02-04. Review status: criteria provided, single submitter. Criteria: Invitae Variant Classification Sherloc (09022015). Collection method: clinical testing. Allele origin: germline. Not counted in ClinVar's aggregate classification.

Blueprint Genetics
Classification: Benign. Last evaluated: 2024-11-28. Review status: criteria provided, single submitter. Criteria: ACMG Guidelines, 2015. Collection method: clinical testing. Allele origin: germline. Not counted in ClinVar's aggregate classification.

Genome-Nilou Lab
Classification: Benign for Central core myopathy. Last evaluated: 2021-11-07. Review status: criteria provided, single submitter. Criteria: ACMG Guidelines, 2015. Collection method: clinical testing. Allele origin: germline. Affected: no. Not counted in ClinVar's aggregate classification.

Genome-Nilou Lab
Classification: Benign for King Denborough syndrome. Last evaluated: 2021-11-07. Review status: criteria provided, single submitter. Criteria: ACMG Guidelines, 2015. Collection method: clinical testing. Allele origin: germline. Affected: no. Not counted in ClinVar's aggregate classification.

Genome-Nilou Lab
Classification: Benign for Congenital multicore myopathy with external ophthalmoplegia. Last evaluated: 2021-11-07. Review status: criteria provided, single submitter. Criteria: ACMG Guidelines, 2015. Collection method: clinical testing. Allele origin: germline. Affected: no. Not counted in ClinVar's aggregate classification.

Fulgent Genetics
Classification: Benign for Central core myopathy; Malignant hyperthermia, susceptibility to, 1; Congenital myopathy 4A, autosomal dominant; Congenital multicore myopathy with external ophthalmoplegia; King Denborough syndrome. Last evaluated: 2021-08-11. Review status: criteria provided, single submitter. Criteria: ACMG Guidelines, 2015. Collection method: clinical testing. Allele origin: unknown. Not counted in ClinVar's aggregate classification.

Color Diagnostics, LLC DBA Color Health
Classification: Benign for Malignant hyperthermia, susceptibility to, 1. Last evaluated: 2019-03-29. Review status: criteria provided, single submitter. Criteria: ACMG Guidelines, 2015. Collection method: clinical testing. Allele origin: germline. Not counted in ClinVar's aggregate classification.

PreventionGenetics, part of Exact Sciences
Classification: Benign. Last evaluated: 2018-04-03. Review status: criteria provided, single submitter. Criteria: ACMG Guidelines, 2015. Collection method: clinical testing. Allele origin: germline. Not counted in ClinVar's aggregate classification.

Illumina Laboratory Services, Illumina
Classification: Benign for Congenital multicore myopathy with external ophthalmoplegia. Last evaluated: 2018-01-13. Review status: criteria provided, single submitter. Criteria: ICSL Variant Classification Criteria 13 December 2019. Collection method: clinical testing. Allele origin: germline. Not counted in ClinVar's aggregate classification.
Comment: This variant was observed in the ICSL laboratory as part of a predisposition screen in an ostensibly healthy population. It had not been previously curated by ICSL or reported in the Human Gene Mutation Database (HGMD: prior to June 1st, 2018), and was therefore a candidate for classification through an automated scoring system. Utilizing variant allele frequency, disease prevalence and penetrance estimates, and inheritance mode, an automated score was calculated to assess if this variant is too frequent to cause the disease. Based on the score and internal cut-off values, a variant classified as benign is not then subjected to further curation. The score for this variant resulted in a classification of benign for this disease.

Illumina Laboratory Services, Illumina
Classification: Benign for Malignant hyperthermia, susceptibility to, 1. Last evaluated: 2018-01-13. Review status: criteria provided, single submitter. Criteria: ICSL Variant Classification Criteria 13 December 2019. Collection method: clinical testing. Allele origin: germline. Not counted in ClinVar's aggregate classification.
Comment: the same text as in the submission from Illumina Laboratory Services, Illumina above.

Mayo Clinic Laboratories, Mayo Clinic
Classification: Benign. Last evaluated: 2017-07-19. Review status: criteria provided, single submitter. Criteria: ACMG Guidelines, 2015. Collection method: clinical testing. Allele origin: germline. Observed: 798 variant alleles. Not counted in ClinVar's aggregate classification.

Eurofins Ntd Llc (ga)
Classification: Benign. Last evaluated: 2016-04-04. Review status: criteria provided, single submitter. Criteria: EGL Classification Definitions 2015. Collection method: clinical testing. Allele origin: germline. Observed: 52 variant alleles, 7 heterozygotes, 45 homozygotes. Not counted in ClinVar's aggregate classification.

GeneDx
Classification: Benign. Last evaluated: 2016-01-22. Review status: criteria provided, single submitter. Criteria: GeneDx Variant Classification (06012015). Collection method: clinical testing. Allele origin: germline. Affected: yes. Not counted in ClinVar's aggregate classification.
Comment: This variant is considered likely benign or benign based on one or more of the following criteria: it is a conservative change, it occurs at a poorly conserved position in the protein, it is predicted to be benign by multiple in silico algorithms, and/or has population frequency not consistent with disease.

Laboratory for Molecular Medicine, Mass General Brigham Personalized Medicine
Classification: Benign. Last evaluated: 2015-01-13. Review status: criteria provided, single submitter. Criteria: LMM Criteria. Collection method: clinical testing. Allele origin: germline. Observed: 15 variant alleles. Not counted in ClinVar's aggregate classification.
Comment: p.Ala359Ala in exon 11 of RYR1: This variant is not expected to have clinical si gnificance because it does not alter an amino acid residue and is not located wi thin the splice consensus sequence. It has been identified in 12.4% (1063/8600) of European American chromosomes from a broad population by the NHLBI Exome Sequ encing Project (dbSNP rs10406027).

Genetic Services Laboratory, University of Chicago
Classification: Benign. Last evaluated: 2013-08-15. Review status: criteria provided, single submitter. Criteria: ACMG Guidelines, 2007. Collection method: clinical testing. Allele origin: germline. Inheritance: Autosomal unknown. Not counted in ClinVar's aggregate classification.

Breakthrough Genomics
Classification: Benign. Review status: criteria provided, single submitter. Criteria: ACMG Guidelines, 2015. Collection method: not provided. Allele origin: germline. Inheritance: Autosomal recessive inheritance. Affected: yes. Not counted in ClinVar's aggregate classification.

Clinical Genetics, Academic Medical Center
Classification: Benign. Review status: no assertion criteria provided. Collection method: clinical testing. Allele origin: germline. Affected: yes. Study: VKGL Data-share Consensus. Not counted in ClinVar's aggregate classification.

Diagnostic Laboratory, Department of Genetics, University Medical Center Groningen
Classification: Benign. Review status: no assertion criteria provided. Collection method: clinical testing. Allele origin: germline. Affected: yes. Study: VKGL Data-share Consensus. Not counted in ClinVar's aggregate classification.

Joint Genome Diagnostic Labs from Nijmegen and Maastricht, Radboudumc and MUMC+
Classification: Benign. Review status: no assertion criteria provided. Collection method: clinical testing. Allele origin: germline. Affected: yes. Study: VKGL Data-share Consensus. Not counted in ClinVar's aggregate classification.

RYR1 database
No classification provided. Review status: no classification provided. Collection method: not provided. Allele origin: unknown. Not counted in ClinVar's aggregate classification.